The following is an entry in ClinVar:

ClinVar aggregate classification (germline): Uncertain significance (1 of 4 stars; one submission).

Allele frequency attached by ClinVar (database versions not stated): gnomAD 0.00001; gnomAD exomes 0.00001; TOPMed 0.00001.
gnomAD v4.1: 4 of 1,603,504 alleles (0.00025%); highest among the groups gnomAD compares: African/African-American, 0.0013%; no homozygotes.

Submission:

GeneDx
Classification: Uncertain significance. Last evaluated: 2017-06-05. Review status: criteria provided, single submitter. Criteria: GeneDx Variant Classification (06012015). Collection method: clinical testing. Allele origin: germline. Affected: yes.
Comment: The D1290G variant in the NOTCH1 gene has not been reported previously as a pathogenic variant, nor as a benign variant, to our knowledge. The D1290G variant is not observed in large population cohorts (Lek et al., 2016; 1000 Genomes Consortium et al., 2015; Exome Variant Server). The D1290G variant is a non-conservative amino acid substitution, which is likely to impact secondary protein structure as these residues differ in polarity, charge, size and/or other properties. This substitution occurs at a position that is not conserved. In silico analysis predicts this variant is probably damaging to the protein structure/function. We interpret D1290G as a variant of uncertain significance.

NM_017617.5(NOTCH1):c.3869A>G (p.Asp1290Gly)

Gene: NOTCH1 (notch receptor 1; minus strand). Cytogenetic location: 9q34.3.
Variant type: single nucleotide variant.
Coding change: c.3869A>G on transcript NM_017617.5 (MANE Select); coding-DNA position 3869, A replaced by G.
Protein change: p.Asp1290Gly; replaces aspartic acid 1290 with glycine.
Molecular consequence: missense variant.
Genome position (GRCh38, 1-based): chr9:136,506,748, T>C on the plus strand (A>G on the coding strand, the complement: NOTCH1 is on the minus strand). VCF-style: chr9-136506748-T-C. GRCh37 (hg19) VCF-style: chr9-139401200-T-C.
Other names: c.3869A>G, p.Asp1290Gly (LRG_1122t1); short protein forms D1290G.
Identifiers: ClinVar variation 432527 (VCV000432527.2), dbSNP rs1347832105, ClinGen allele CA375549008.
Genomic context (GRCh38, chr9:136,506,748, plus strand): 5'-GCCCCACCCGCCTGGGCGCGGCACCCACCGGTGTGACCAGCACGGCACTCGCAGTGGAAG[T>C]CATTGACGCGCTGCACGCAGTTCTGGGTGCCACGGGCGTCGCAGGGATTGGACAGGCACT-3'
Protein context (NP_060087.3, residues 1280-1300): GTQNCVQRVN[Asp1290Gly]FHCECRAGHT